The following is an entry in ClinVar:

NM_022098.4(XPNPEP3):c.*6179G>A

Gene: XPNPEP3 (X-prolyl aminopeptidase 3; plus strand). Cytogenetic location: 22q13.2.
Variant type: single nucleotide variant.
Coding change: c.*6179G>A on transcript NM_022098.4 (MANE Select); 6179 bases downstream of the stop codon, G replaced by A.
Molecular consequence: 3 prime UTR variant.
Genome position (GRCh38, 1-based): chr22:40,932,614, G>A. VCF-style: chr22-40932614-G-A. GRCh37 (hg19) VCF-style: chr22-41328618-G-A.
Identifiers: ClinVar variation 901912 (VCV000901912.4), dbSNP rs149909864, ClinGen allele CA324456159.

ClinVar aggregate classification (germline): Likely benign (1 of 4 stars; one submission).

Conditions:
Nephronophthisis-like nephropathy 1 (NPHPL1). Identifiers: Orphanet 655, MedGen C3150419, MONDO:0013163, OMIM 613159.

Allele frequency attached by ClinVar (database versions not stated): gnomAD 0.00237 and 0.00253; TOPMed 0.00268; 1000 Genomes Project 0.00300; 1000 Genomes Project 30x 0.00453.

Submission:

Illumina Laboratory Services, Illumina
Classification: Likely benign for Nephronophthisis-like nephropathy 1. Last evaluated: 2018-01-12. Review status: criteria provided, single submitter. Criteria: ICSL Variant Classification Criteria 13 December 2019. Collection method: clinical testing. Allele origin: germline.
Comment: This variant was observed in the ICSL laboratory as part of a predisposition screen in an ostensibly healthy population. It had not been previously curated by ICSL or reported in the Human Gene Mutation Database (HGMD: prior to June 1st, 2018), and was therefore a candidate for classification through an automated scoring system. Utilizing variant allele frequency, disease prevalence and penetrance estimates, and inheritance mode, an automated score was calculated to assess if this variant is too frequent to cause the disease. Based on the score and internal cut-off values, a variant classified as likely benign is not then subjected to further curation. The score for this variant resulted in a classification of likely benign for this disease.